The following is an entry in ClinVar:

NM_000051.4(ATM):c.2152T>G (p.Cys718Gly)

Gene: ATM (ATM serine/threonine kinase; plus strand). Cytogenetic location: 11q22.3.
Variant type: single nucleotide variant.
Coding change: c.2152T>G on transcript NM_000051.4 (MANE Select); coding-DNA position 2152, T replaced by G.
Protein change: p.Cys718Gly; replaces cysteine 718 with glycine.
Molecular consequence: missense variant.
Genome position (GRCh38, 1-based): chr11:108,256,242, T>G. VCF-style: chr11-108256242-T-G. GRCh37 (hg19) VCF-style: chr11-108126969-T-G.
Other names: c.2152T>G, p.Cys718Gly (NM_001351834.2); short protein forms C718G.
Identifiers: ClinVar variation 3452938 (VCV003452938.1).
Genomic context (GRCh38, chr11:108,256,242, plus strand): 5'-ATATATATATTTTTATTTGTGGTTTACTTTAAGATTACAAATTCAGAAACTCTTGTCCGG[T>G]GTTCACGTCTTTTGGTGGGTGTCCTTGGCTGCTACTGTTACATGGGTGTAATAGCTGAAG-3'
Protein context (NP_000042.3, residues 708-728): EITNSETLVR[Cys718Gly]SRLLVGVLGC

ClinVar aggregate classification (germline): Uncertain significance (1 of 4 stars; one submission).

Conditions:
Hereditary cancer-predisposing syndrome. Also called: Tumor predisposition; Neoplastic Syndromes, Hereditary; Hereditary neoplastic syndrome; Hereditary Cancer Syndrome. Identifiers: Orphanet 140162, MedGen C0027672, MeSH D009386, MONDO:0015356.

Submission:

Ambry Genetics
Classification: Uncertain significance for Hereditary cancer-predisposing syndrome. Last evaluated: 2024-11-26. Review status: criteria provided, single submitter. Criteria: Ambry Variant Classification Scheme 2023. Collection method: clinical testing. Allele origin: germline.
Comment: The p.C718G variant (also known as c.2152T>G), located in coding exon 13 of the ATM gene, results from a T to G substitution at nucleotide position 2152. The cysteine at codon 718 is replaced by glycine, an amino acid with highly dissimilar properties. This amino acid position is conserved. In addition, this alteration is predicted to be deleterious by in silico analysis. Based on the available evidence, the clinical significance of this variant remains unclear.